The following is an entry in ClinVar:

NM_033028.5(BBS4):c.2T>C (p.Met1Thr)

Gene: BBS4 (Bardet-Biedl syndrome 4; plus strand). Cytogenetic location: 15q24.1.
Variant type: single nucleotide variant.
Coding change: c.2T>C on transcript NM_033028.5 (MANE Select); coding-DNA position 2, T replaced by C.
Protein change: p.Met1Thr; changes the start codon (methionine 1).
Molecular consequence: missense variant, initiator codon variant. On other transcripts: 5 prime UTR variant (1), non-coding transcript variant (2).
Genome position (GRCh38, 1-based): chr15:72,686,229, T>C. VCF-style: chr15-72686229-T-C. GRCh37 (hg19) VCF-style: chr15-72978570-T-C.
Other names: c.-468T>C (NM_001252678.2); c.2T>C, p.Met1Thr (NM_001320665.2); short protein forms M1T.
Identifiers: ClinVar variation 445809 (VCV000445809.9), dbSNP rs1302879683, ClinGen allele CA393074972.

ClinVar aggregate classification (germline): Pathogenic/Likely pathogenic. Review status: criteria provided, multiple submitters, no conflicts (2 of 4 stars). 3 submissions from 3 submitters: Pathogenic (1); Likely pathogenic (2). Last evaluated 2024-04-03.

Conditions:
Bardet-Biedl syndrome (BBS). Identifiers: Orphanet 110, MedGen C0752166, MONDO:0015229.
Bardet-Biedl syndrome 4 (BBS4). Identifiers: Orphanet 110, MedGen C2936864, MONDO:0014433, OMIM 615982.

Allele frequency attached by ClinVar (database versions not stated): gnomAD exomes 0.00001.

Submissions (3):

Fulgent Genetics
Classification: Likely pathogenic for Bardet-Biedl syndrome 4. Last evaluated: 2024-04-03. Review status: criteria provided, single submitter. Criteria: ACMG Guidelines, 2015. Collection method: clinical testing. Allele origin: germline.

Labcorp Genetics (formerly Invitae), Labcorp
Classification: Pathogenic for Bardet-Biedl syndrome. Last evaluated: 2023-08-17. Review status: criteria provided, single submitter. Criteria: Invitae Variant Classification Sherloc (09022015). Collection method: clinical testing. Allele origin: germline.
Comment: ClinVar contains an entry for this variant (Variation ID: 445809). For these reasons, this variant has been classified as Pathogenic. This variant disrupts a region of the BBS4 protein in which other variant(s) (Deletion (Exons 3-4)) have been determined to be pathogenic (PMID: 11381270). This suggests that this is a clinically significant region of the protein, and that variants that disrupt it are likely to be disease-causing. This variant has not been reported in the literature in individuals affected with BBS4-related conditions. The frequency data for this variant in the population databases is considered unreliable, as metrics indicate poor data quality at this position in the gnomAD database. This sequence change affects the initiator methionine of the BBS4 mRNA. The next in-frame methionine is located at codon 173.

Center for Pediatric Genomic Medicine, Children's Mercy Hospital and Clinics
Classification: Likely pathogenic. Last evaluated: 2017-08-31. Review status: criteria provided, single submitter. Criteria: ACMG Guidelines, 2015. Collection method: clinical testing. Allele origin: germline.

Literature cited by the submitters: PubMed 11381270 (cited by Labcorp Genetics (formerly Invitae), Labcorp).